The following is an entry in ClinVar:

ClinVar aggregate classification (germline): Uncertain significance. Review status: criteria provided, multiple submitters, no conflicts (2 of 4 stars). 2 submissions from 2 submitters: Uncertain significance (2). Last evaluated 2025-07-14.

Conditions:
Nephronophthisis 16 (NPHP16). Identifiers: Orphanet 655, MedGen C3809320, MONDO:0014158, OMIM 615382.

Allele frequency attached by ClinVar (database versions not stated): gnomAD 0.00002 and 0.00003; ExAC 0.00007; gnomAD exomes 0.00007; TOPMed 0.00011.
gnomAD v4.1: 37 of 1,537,730 alleles (0.0024%); highest among the groups gnomAD compares: Admixed American, 0.026%; no homozygotes.

Submissions (2):

Labcorp Genetics (formerly Invitae), Labcorp
Classification: Uncertain significance for Nephronophthisis 16. Last evaluated: 2025-07-14. Review status: criteria provided, single submitter. Criteria: Invitae Variant Classification Sherloc (09022015). Collection method: clinical testing. Allele origin: germline.
Comment: This sequence change replaces glycine, which is neutral and non-polar, with serine, which is neutral and polar, at codon 650 of the ANKS6 protein (p.Gly650Ser). This variant is present in population databases (rs761981516, gnomAD 0.04%). This variant has not been reported in the literature in individuals affected with ANKS6-related conditions. ClinVar contains an entry for this variant (Variation ID: 962630). An algorithm developed to predict the effect of missense changes on protein structure and function (PolyPhen-2) suggests that this variant is likely to be tolerated. In summary, the available evidence is currently insufficient to determine the role of this variant in disease. Therefore, it has been classified as a Variant of Uncertain Significance.

Fulgent Genetics
Classification: Uncertain significance for Nephronophthisis 16. Last evaluated: 2022-03-07. Review status: criteria provided, single submitter. Criteria: ACMG Guidelines, 2015. Collection method: clinical testing. Allele origin: unknown.

NM_173551.5(ANKS6):c.1948G>A (p.Gly650Ser)

Genes: ANKS6 (ankyrin repeat and sterile alpha motif domain containing 6; minus strand), LOC124310614 (Sharpr-MPRA regulatory region 9654; plus strand). Cytogenetic location: 9q22.33.
Variant type: single nucleotide variant.
Coding change: c.1948G>A on transcript NM_173551.5 (MANE Select); coding-DNA position 1948, G replaced by A.
Protein change: p.Gly650Ser; replaces glycine 650 with serine.
Molecular consequence: missense variant.
Genome position (GRCh38, 1-based): chr9:98,770,920, C>T on the plus strand (G>A on the coding strand, the complement: ANKS6 is on the minus strand). VCF-style: chr9-98770920-C-T. GRCh37 (hg19) VCF-style: chr9-101533202-C-T.
Other names: short protein forms G650S.
Identifiers: ClinVar variation 962630 (VCV000962630.9), dbSNP rs761981516, ClinGen allele CA5153311.